The following is an entry in ClinVar:

ClinVar aggregate classification (germline): Uncertain significance (1 of 4 stars; one submission).

Conditions:
Colorectal cancer, hereditary nonpolyposis, type 7. Identifiers: Orphanet 144, MedGen C1858380, MONDO:0013725, OMIM 614385.

Submission:

Labcorp Genetics (formerly Invitae), Labcorp
Classification: Uncertain significance for Colorectal cancer, hereditary nonpolyposis, type 7. Last evaluated: 2024-12-28. Review status: criteria provided, single submitter. Criteria: Invitae Variant Classification Sherloc (09022015). Collection method: clinical testing. Allele origin: germline.
Comment: This sequence change creates a premature translational stop signal (p.Met921Ilefs*2) in the MLH3 gene. It is expected to result in an absent or disrupted protein product. However, the current clinical and genetic evidence is not sufficient to establish whether loss-of-function variants in MLH3 cause disease. This variant is not present in population databases (gnomAD no frequency). This variant has not been reported in the literature in individuals affected with MLH3-related conditions. In summary, the available evidence is currently insufficient to determine the role of this variant in disease. Therefore, it has been classified as a Variant of Uncertain Significance.

NM_001040108.2(MLH3):c.2763_2767del (p.Met921fs)

Gene: MLH3 (mutL homolog 3; minus strand). Cytogenetic location: 14q24.3.
Variant type: Deletion.
Coding change: c.2763_2767del on transcript NM_001040108.2 (MANE Select); coding-DNA positions 2763 to 2767, 5 bases deleted (GTTAT; older notation c.2763_2767delGTTAT).
Protein change: p.Met921fs; shifts the reading frame from methionine 921.
Molecular consequence: frameshift variant.
Genome position (GRCh38, 1-based): chr14:75,046,889-75,046,893, ATAAC deleted on the plus strand (GTTAT on the coding strand, the reverse complement: MLH3 is on the minus strand); deleting any 5 consecutive bases within chr14:75,046,889-75,046,896 gives the same sequence; the c. name uses the placement nearest the transcript's 3' end. VCF-style (leftmost placement, unchanged base first): chr14-75046888-AATAAC-A. GRCh37 (hg19) VCF-style: chr14-75513591-AATAAC-A.
Other names: c.2763_2767del, p.Met921fs (NM_014381.3); short protein forms M921fs.
Identifiers: ClinVar variation 3664034 (VCV003664034.2).